The following is an entry in ClinVar:

NM_022124.6(CDH23):c.6656A>T (p.Asp2219Val)

Gene: CDH23 (cadherin related 23; plus strand). Cytogenetic location: 10q22.1.
Variant type: single nucleotide variant.
Coding change: c.6656A>T on transcript NM_022124.6 (MANE Select); coding-DNA position 6656, A replaced by T.
Protein change: p.Asp2219Val; replaces aspartic acid 2219 with valine.
Molecular consequence: missense variant.
Genome position (GRCh38, 1-based): chr10:71,793,584, A>T. VCF-style: chr10-71793584-A-T. GRCh37 (hg19) VCF-style: chr10-73553341-A-T.
Other names: short protein forms D2219V.
Identifiers: ClinVar variation 2581695 (VCV002581695.1), dbSNP rs567619520, ClinGen allele CA209466449.

ClinVar aggregate classification (germline): Uncertain significance (1 of 4 stars; one submission).

Allele frequency attached by ClinVar (database versions not stated): gnomAD exomes below 0.00001; gnomAD 0.00001; 1000 Genomes Project 30x 0.00016; 1000 Genomes Project 0.00020.
gnomAD v4.1: 2 of 1,610,448 alleles (0.00012%); highest among the groups gnomAD compares: East Asian, 0.0045%; no homozygotes.

Submission:

Women's Health and Genetics/Laboratory Corporation of America, LabCorp
Classification: Uncertain significance. Last evaluated: 2023-08-14. Review status: criteria provided, single submitter. Criteria: LabCorp Variant Classification Summary - May 2015. Collection method: clinical testing. Allele origin: germline.
Comment: Variant summary: CDH23 c.6656A>T (p.Asp2219Val) results in a non-conservative amino acid change in the encoded protein sequence. Four of five in-silico tools predict a damaging effect of the variant on protein function. The variant allele was found at a frequency of 4e-06 in 247392 control chromosomes (gnomAD). The available data on variant occurrences in the general population are insufficient to allow any conclusion about variant significance. c.6656A>T has been reported in the literature in an individual affected with hearing loss (example: Xiang_2020). This report does not provide unequivocal conclusions about association of the variant with Usher Syndrome. To our knowledge, no experimental evidence demonstrating an impact on protein function has been reported. The following publication has been ascertained in the context of this evaluation (PMID: 33095980). No submitters have cited clinical-significance assessments for this variant to ClinVar after 2014. Based on the evidence outlined above, the variant was classified as uncertain significance.

Literature cited by the submitters: PubMed 33095980.